The following is an entry in ClinVar:

NM_001983.4(ERCC1):c.-8+123G>T

Gene: ERCC1 (ERCC excision repair 1, endonuclease non-catalytic subunit; minus strand). Cytogenetic location: 19q13.32.
Variant type: single nucleotide variant.
Coding change: c.-8+123G>T on transcript NM_001983.4 (MANE Select); 123 bases into the intron after 8 bases upstream of the start codon, G replaced by T.
Molecular consequence: intron variant.
Genome position (GRCh38, 1-based): chr19:45,423,658, C>A on the plus strand (G>T on the coding strand, the complement: ERCC1 is on the minus strand). VCF-style: chr19-45423658-C-A. GRCh37 (hg19) VCF-style: chr19-45926916-C-A.
Other names: c.-7-277G>T (NM_001369412.1, NM_001369413.1, NM_001369417.1 and 1 more transcripts); c.-8+165G>T (NM_001369418.1, NM_001369415.1, NM_001369408.1); c.-8+123G>T (NM_001166049.2, NM_001369410.1, NM_001369409.1).
Identifiers: ClinVar variation 1227955 (VCV001227955.4), dbSNP rs2298881, ClinGen allele CA14722508.
Genomic context (GRCh38, chr19:45,423,658, plus strand): 5'-CCGCCCCTCGCCCCCACCGGATTCTATTGGCTCCGTCCCCACCATCCCCCGCCTTCCGTT[C>A]GTCCGGCCCCCGAGGCTAGCATCTGGACGCCCTCCCCACGCCTGGCCTTGTCCATCTCTC-3'

ClinVar aggregate classification (germline): Benign. Review status: criteria provided, multiple submitters, no conflicts (2 of 4 stars). 2 submissions from 2 submitters: Benign (2). Last evaluated 2018-11-11.

Allele frequency attached by ClinVar (database versions not stated): 1000 Genomes Project 30x 0.20237; TOPMed 0.12251; 1000 Genomes Project 0.21046.
gnomAD v4.1: 151,488 of 1,274,624 alleles (12%); highest among the groups gnomAD compares: East Asian, 42%; 11,398 homozygotes.

Submissions (2):

GeneDx
Classification: Benign. Last evaluated: 2018-11-11. Review status: criteria provided, single submitter. Criteria: GeneDx Variant Classification Process June 2021. Collection method: clinical testing. Allele origin: germline. Affected: yes.
Comment: This variant is associated with the following publications: (PMID: 26056042, 18451256, 23166636, 22374244)

Breakthrough Genomics
Classification: Benign. Review status: criteria provided, single submitter. Criteria: ACMG Guidelines, 2015. Collection method: not provided. Allele origin: germline. Inheritance: Autosomal recessive inheritance. Affected: yes.